The following is an entry in ClinVar:

NM_001376.5(DYNC1H1):c.10336C>T (p.Arg3446Cys)

Gene: DYNC1H1 (dynein cytoplasmic 1 heavy chain 1; plus strand). Cytogenetic location: 14q32.31.
Variant type: single nucleotide variant.
Coding change: c.10336C>T on transcript NM_001376.5 (MANE Select); coding-DNA position 10336, C replaced by T.
Protein change: p.Arg3446Cys; replaces arginine 3446 with cysteine.
Molecular consequence: missense variant.
Genome position (GRCh38, 1-based): chr14:102,033,407, C>T. VCF-style: chr14-102033407-C-T. GRCh37 (hg19) VCF-style: chr14-102499744-C-T.
Other names: short protein forms R3446C.
Identifiers: ClinVar variation 656221 (VCV000656221.8), dbSNP rs1407151844, ClinGen allele CA391024255.

ClinVar aggregate classification (germline): Uncertain significance (1 of 4 stars; one submission).

Conditions:
Charcot-Marie-Tooth disease axonal type 2O. Also called: Charcot-Marie-Tooth disease, axonal, type 20; Charcot-Marie-Tooth Neuropathy Type 2O; CHARCOT-MARIE-TOOTH NEUROPATHY, AXONAL, TYPE 2O; CHARCOT-MARIE-TOOTH DISEASE, AXONAL, AUTOSOMAL DOMINANT, TYPE 2O. Identifiers: Orphanet 284232, MedGen C3280220, MONDO:0013644, OMIM 614228.

Allele frequency attached by ClinVar (database versions not stated): gnomAD 0.00001; TOPMed 0.00001; gnomAD exomes 0.00002.
gnomAD v4.1: 24 of 1,614,062 alleles (0.0015%); highest among the groups gnomAD compares: East Asian, 0.0022%; no homozygotes.

Submission:

Labcorp Genetics (formerly Invitae), Labcorp
Classification: Uncertain significance for Charcot-Marie-Tooth disease axonal type 2O. Last evaluated: 2024-10-07. Review status: criteria provided, single submitter. Criteria: Invitae Variant Classification Sherloc (09022015). Collection method: clinical testing. Allele origin: germline.
Comment: This sequence change replaces arginine, which is basic and polar, with cysteine, which is neutral and slightly polar, at codon 3446 of the DYNC1H1 protein (p.Arg3446Cys). This variant is present in population databases (no rsID available, gnomAD 0.03%). This variant has not been reported in the literature in individuals affected with DYNC1H1-related conditions. ClinVar contains an entry for this variant (Variation ID: 656221). Invitae Evidence Modeling of protein sequence and biophysical properties (such as structural, functional, and spatial information, amino acid conservation, physicochemical variation, residue mobility, and thermodynamic stability) indicates that this missense variant is expected to disrupt DYNC1H1 protein function with a positive predictive value of 95%. In summary, the available evidence is currently insufficient to determine the role of this variant in disease. Therefore, it has been classified as a Variant of Uncertain Significance.